The following is an entry in ClinVar:

NM_001038603.3(MARVELD2):c.1058dup (p.Val354fs)

Gene: MARVELD2 (MARVEL domain containing 2; plus strand). Cytogenetic location: 5q13.2.
Variant type: Duplication.
Coding change: c.1058dup on transcript NM_001038603.3 (MANE Select); coding-DNA position 1058, one base duplicated (T; older notation c.1058dupT).
Protein change: p.Val354fs; shifts the reading frame from valine 354.
Molecular consequence: frameshift variant.
Genome position (GRCh38, 1-based): chr5:69,420,443, T duplicated. VCF-style (leftmost placement, unchanged base first): chr5-69420442-A-AT. GRCh37 (hg19) VCF-style: chr5-68716269-A-AT.
Other names: DFNB49; MARVD2; MRVLDC2; Tric; c.1058dup, p.Val354fs (NM_001244734.2); short protein forms V354fs.
Identifiers: ClinVar variation 3764752 (VCV003764752.2), dbSNP rs2150915254.
Genomic context (GRCh38, chr5:69,420,442, plus strand): 5'-GTGTTCTGCCGGGTAGAAGGAGGACAGATAGCTGCAATGATCTTCCTGTTTGTCACCATG[A>AT]TAGTTTATCTCATTAGTGCTTTGGTTTGCCTAAAGTTATGGAGGCATGAGGCAGCTCGGA-3'

ClinVar aggregate classification (germline): Pathogenic (1 of 4 stars; one submission).

Conditions:
Autosomal recessive nonsyndromic hearing loss 49. Also called: Deafness, neurosensory, autosomal recessive 49. Identifiers: Orphanet 90636, MedGen C1857811, MONDO:0012420, OMIM 610153.

Submission:

Genetic Medicine of African Populations, University of Cape Town
Classification: Pathogenic for Autosomal recessive nonsyndromic hearing loss 49. Last evaluated: 2021-11-05. Review status: criteria provided, single submitter. Criteria: ACMG Guidelines, 2015. Collection method: research. Allele origin: inherited, not applicable. Inheritance: Autosomal recessive inheritance. Affected: yes and no. Observed: 1 heterozygote, 3 homozygotes. Clinical features observed: Profound hearing impairment (HP:0012715). Functional consequence: frameshift variant NMD triggering.
Comment: The identified MARVELD2:NM_001038603.3:c.1058dup;p.(Val354Serfs*5) variant, is non-synonymous frameshift exon 2 variant, which is predicted to be targeted by nonsense mediated decay (PVS1). This variant was absent in 151 simplex hearing-impaired individuals and 46 ethnolinguistic hearing controls screened (PS4). Combined Annotation Dependent Depletion (CADD) score of 28.5 indicates pathogenic, showing high confidence probability of loss of function using threshold and points established by Pejaver et al., 2022 (PubMed 36413997) (PP3). This variant was found to co-segregate with non-syndromic hearing impairment in three related family members (homozygous), and three normal hearing members (unaffected heterozygote carriers) in a consanguineous extended family (PP1). Even if the mutant protein is still expressed at some level (against NMD), the frameshift variant found truncates the occludin_ELL C-terminal cytosolic domain of MARVELD2, involved in signaling relay and interactions with scaffolding membrane-associated proteins, crucial in cell barrier functions (PM4). Domain analysis on InterProScan server showed the predicted truncation results in loss of C-terminal cytosolic domain, containing occludin_ELL and RNA polymerase II elongation factor ELL. Though the variant (rs2150915254) has been reported on gnomAD with an allele frequency of 1/1613794, it is absent on Bravo and other relevant population databases (PM2). In summary, this bi-allelic MARVELD2:c.1058dup;p.(Val354Serfs*5) variant meets the ACMG/AMP criteria applied to be classified as pathogenic based on the segregation with phenotype, NMD and/or loss of function, absent in controls, rare in population databases, and the supporting in vitro functional evidence presented: PSV1, PS4, PP1, ,PP3, PM4, and PM2.

Literature cited by the submitters: DOI 10.3390/ijms26073337; PubMed 35440622; DOI 10.1016/j.ajhg.2022.10.013.